The following is an entry in ClinVar:

ClinVar aggregate classification (germline): Uncertain significance. Review status: criteria provided, multiple submitters, no conflicts (2 of 4 stars). 4 submissions from 4 submitters: Uncertain significance (3). 1 of the submissions does not count toward it. Last evaluated 2025-10-15.

Conditions:
Inborn genetic diseases. Identifiers: MedGen C0950123, MeSH D030342.
Hereditary insensitivity to pain with anhidrosis (CIPA). Also called: INSENSITIVITY TO PAIN, CONGENITAL, WITH ANHIDROSIS; NTRK1 Congenital Insensitivity to Pain with Anhidrosis; FAMILIAL DYSAUTONOMIA, TYPE II; NEUROPATHY, CONGENITAL SENSORY, WITH ANHIDROSIS; hereditary sensory and autonomic neuropathy type 4; HSAN Type IV. Identifiers: Orphanet 642, MedGen C0020074, MONDO:0009746, OMIM 256800.

Allele frequency attached by ClinVar (database versions not stated): gnomAD 0.00002 and 0.00003; TOPMed 0.00002; gnomAD exomes 0.00005 and 0.00008; ExAC 0.00011.
gnomAD v4.1: 80 of 1,612,874 alleles (0.005%); highest among the groups gnomAD compares: East Asian, 0.15%; no homozygotes.

Submissions (4):

Ambry Genetics
Classification: Uncertain significance for Inborn genetic diseases. Last evaluated: 2025-10-15. Review status: criteria provided, single submitter. Criteria: Ambry Variant Classification Scheme 2023. Collection method: clinical testing. Allele origin: germline.

Genome-Nilou Lab
Classification: Uncertain significance for Hereditary insensitivity to pain with anhidrosis. Last evaluated: 2023-04-11. Review status: criteria provided, single submitter. Criteria: ACMG Guidelines, 2015. Collection method: clinical testing. Allele origin: germline. Affected: no.

Labcorp Genetics (formerly Invitae), Labcorp
Classification: Uncertain significance for Hereditary insensitivity to pain with anhidrosis. Last evaluated: 2021-10-09. Review status: criteria provided, single submitter. Criteria: Invitae Variant Classification Sherloc (09022015). Collection method: clinical testing. Allele origin: germline.
Comment: This sequence change replaces arginine with tryptophan at codon 587 of the NTRK1 protein (p.Arg587Trp). The arginine residue is highly conserved and there is a moderate physicochemical difference between arginine and tryptophan. This variant is present in population databases (rs781209572, ExAC 0.1%). This missense change has been observed in individual(s) with clinical features of hereditary sensory and autonomic neuropathy (Invitae). Algorithms developed to predict the effect of missense changes on protein structure and function (SIFT, PolyPhen-2, Align-GVGD) all suggest that this variant is likely to be disruptive. In summary, the available evidence is currently insufficient to determine the role of this variant in disease. Therefore, it has been classified as a Variant of Uncertain Significance.

Natera, Inc.
Classification: Uncertain significance for Hereditary insensitivity to pain with anhidrosis. Last evaluated: 2020-05-12. Review status: no assertion criteria provided. Collection method: clinical testing. Allele origin: germline. Not counted in ClinVar's aggregate classification.

NM_002529.4(NTRK1):c.1777C>T (p.Arg593Trp)

Gene: NTRK1 (neurotrophic receptor tyrosine kinase 1; plus strand). Cytogenetic location: 1q23.1.
Variant type: single nucleotide variant.
Coding change: c.1777C>T on transcript NM_002529.4 (MANE Select); coding-DNA position 1777, C replaced by T.
Protein change: p.Arg593Trp; replaces arginine 593 with tryptophan.
Molecular consequence: missense variant.
Genome position (GRCh38, 1-based): chr1:156,876,544, C>T. VCF-style: chr1-156876544-C-T. GRCh37 (hg19) VCF-style: chr1-156846336-C-T.
Other names: c.1759C>T (NM_001012331.1); c.1669C>T, p.Arg557Trp (NM_001007792.1); c.1759C>T, p.Arg587Trp (NM_001012331.2); short protein forms R557W, R587W, R593W.
Identifiers: ClinVar variation 1018983 (VCV001018983.9), dbSNP rs781209572, ClinGen allele CA1169463.